The following is an entry in ClinVar:

NM_000540.3(RYR1):c.11414A>T (p.Asn3805Ile)

Gene: RYR1 (ryanodine receptor 1; plus strand). Cytogenetic location: 19q13.2.
Variant type: single nucleotide variant.
Coding change: c.11414A>T on transcript NM_000540.3 (MANE Select); coding-DNA position 11414, A replaced by T.
Protein change: p.Asn3805Ile; replaces asparagine 3805 with isoleucine.
Molecular consequence: missense variant.
Genome position (GRCh38, 1-based): chr19:38,535,195, A>T. VCF-style: chr19-38535195-A-T. GRCh37 (hg19) VCF-style: chr19-39025835-A-T.
Other names: c.11399A>T, p.Asn3800Ile (NM_001042723.2); short protein forms N3805I, N3800I.
Identifiers: ClinVar variation 3672800 (VCV003672800.2).
Genomic context (GRCh38, chr19:38,535,195, plus strand): 5'-CTCCAGGAGAGACAGGTGCCATGGTGTCCTCCACCCTGAAGCTGGGCATCTCCATCCTCA[A>T]TGGAGGCAATGCTGAGGTCCAGCAGGTAACAGAGGCAAAGGGACTTCAGAAGAAGGCAAG-3'
Protein context (NP_000531.2, residues 3795-3815): STLKLGISIL[Asn3805Ile]GGNAEVQQKM

ClinVar aggregate classification (germline): Uncertain significance (1 of 4 stars; one submission).

Conditions:
RYR1-related disorder. Also called: RYR1-related condition; RYR1-related disorders. Identifiers: MedGen CN239331.

Submission:

Labcorp Genetics (formerly Invitae), Labcorp
Classification: Uncertain significance for RYR1-related disorder. Last evaluated: 2024-02-20. Review status: criteria provided, single submitter. Criteria: Invitae Variant Classification Sherloc (09022015). Collection method: clinical testing. Allele origin: germline.
Comment: This sequence change replaces asparagine, which is neutral and polar, with isoleucine, which is neutral and non-polar, at codon 3805 of the RYR1 protein (p.Asn3805Ile). This variant is not present in population databases (gnomAD no frequency). This variant has not been reported in the literature in individuals affected with RYR1-related conditions. Advanced modeling of protein sequence and biophysical properties (such as structural, functional, and spatial information, amino acid conservation, physicochemical variation, residue mobility, and thermodynamic stability) has been performed at Invitae for this missense variant, however the output from this modeling did not meet the statistical confidence thresholds required to predict the impact of this variant on RYR1 protein function. In summary, the available evidence is currently insufficient to determine the role of this variant in disease. Therefore, it has been classified as a Variant of Uncertain Significance.